The following is an entry in ClinVar:

ClinVar aggregate classification (germline): Benign. Review status: criteria provided, multiple submitters, no conflicts (2 of 4 stars). 8 submissions from 8 submitters: Benign (5). 3 of the submissions do not count toward it. Last evaluated 2026-02-04.

Conditions:
Spondyloepiphyseal dysplasia with congenital joint dislocations (SEDCJD). Also called: Chondrodysplasia with Congenital Joint Dislocations, CHST3-Related. Identifiers: Orphanet 263463, MedGen C1837657, MONDO:0007738, OMIM 143095.

Allele frequency attached by ClinVar (database versions not stated): 1000 Genomes Project 30x 0.27342; 1000 Genomes Project 0.27396; ESP Exome Variant Server 0.35810; TOPMed 0.36155; gnomAD exomes 0.36205 and 0.42190; gnomAD 0.36267 and 0.36709; ExAC 0.36429.
gnomAD v4.1: 642,297 of 1,547,040 alleles (42%); highest among the groups gnomAD compares: Non-Finnish European, 45%; 137,678 homozygotes.

Submissions (8):

Labcorp Genetics (formerly Invitae), Labcorp
Classification: Benign for Spondyloepiphyseal dysplasia with congenital joint dislocations. Last evaluated: 2026-02-04. Review status: criteria provided, single submitter. Criteria: Invitae Variant Classification Sherloc (09022015). Collection method: clinical testing. Allele origin: germline.

Mayo Clinic Laboratories, Mayo Clinic
Classification: Benign. Last evaluated: 2017-12-22. Review status: criteria provided, single submitter. Criteria: ACMG Guidelines, 2015. Collection method: clinical testing. Allele origin: germline. Observed: 33 variant alleles.

Eurofins Ntd Llc (ga)
Classification: Benign. Last evaluated: 2016-03-04. Review status: criteria provided, single submitter. Criteria: EGL Classification Definitions 2015. Collection method: clinical testing. Allele origin: germline. Observed: 13 variant alleles, 10 heterozygotes, 3 homozygotes.

GeneDx
Classification: Benign. Last evaluated: 2015-03-03. Review status: criteria provided, single submitter. Criteria: GeneDx Variant Classification Process June 2021. Collection method: clinical testing. Allele origin: germline. Affected: yes.
Comment: This variant is associated with the following publications: (PMID: 18513679, 26402641)

Breakthrough Genomics
Classification: Benign. Review status: criteria provided, single submitter. Criteria: ACMG Guidelines, 2015. Collection method: not provided. Allele origin: germline. Inheritance: Autosomal recessive inheritance. Affected: yes.

Genome Diagnostics Laboratory, Amsterdam University Medical Center
Classification: Benign for Spondyloepiphyseal dysplasia with congenital joint dislocations. Last evaluated: 2015-06-11. Review status: no assertion criteria provided. Criteria: ACGS Guidelines, 2013. Collection method: clinical testing. Allele origin: germline. Affected: yes. Study: VKGL Data-share Consensus. Not counted in ClinVar's aggregate classification.

Diagnostic Laboratory, Department of Genetics, University Medical Center Groningen
Classification: Benign for Spondyloepiphyseal dysplasia with congenital joint dislocations. Review status: no assertion criteria provided. Collection method: clinical testing. Allele origin: germline. Affected: yes. Study: VKGL Data-share Consensus. Not counted in ClinVar's aggregate classification.

Joint Genome Diagnostic Labs from Nijmegen and Maastricht, Radboudumc and MUMC+
Classification: Benign. Review status: no assertion criteria provided. Collection method: clinical testing. Allele origin: germline. Affected: yes. Study: VKGL Data-share Consensus. Not counted in ClinVar's aggregate classification.

NM_004273.5(CHST3):c.1070G>A (p.Arg357Gln)

Gene: CHST3 (carbohydrate sulfotransferase 3; plus strand). Cytogenetic location: 10q22.1.
Variant type: single nucleotide variant.
Coding change: c.1070G>A on transcript NM_004273.5 (MANE Select); coding-DNA position 1070, G replaced by A.
Protein change: p.Arg357Gln; replaces arginine 357 with glutamine.
Molecular consequence: missense variant.
Genome position (GRCh38, 1-based): chr10:72,008,101, G>A. VCF-style: chr10-72008101-G-A. GRCh37 (hg19) VCF-style: chr10-73767859-G-A.
Other names: short protein forms R357Q.
Identifiers: ClinVar variation 286657 (VCV000286657.24), dbSNP rs3740129, ClinGen allele CA5548203.